The following is an entry in ClinVar:

NM_000545.8(HNF1A):c.1848C>A (p.Ser616Arg)

Genes: C12orf43 (chromosome 12 open reading frame 43; minus strand), HNF1A (HNF1 homeobox A; plus strand). Cytogenetic location: 12q24.31.
Variant type: single nucleotide variant.
Coding change: c.1848C>A on transcript NM_000545.8 (MANE Select); coding-DNA position 1848, C replaced by A.
Protein change: p.Ser616Arg; replaces serine 616 with arginine.
Molecular consequence: missense variant. On other transcripts: 3 prime UTR variant (3).
Genome position (GRCh38, 1-based): chr12:121,001,144, C>A. VCF-style: chr12-121001144-C-A. GRCh37 (hg19) VCF-style: chr12-121438947-C-A.
Other names: c.*3009G>T (NM_001286191.2, NM_001286196.2, NM_022895.3); c.1869C>A, p.Ser623Arg (NM_001306179.2); c.1656C>A, p.Ser552Arg (NM_001406915.1); short protein forms S616R, S623R, S552R.
Identifiers: ClinVar variation 2195566 (VCV002195566.5), dbSNP rs375702866, ClinGen allele CA244513526.
Genomic context (GRCh38, chr12:121,001,144, plus strand): 5'-GCTGTACCAGAGCTCAGACTCCAGCAATGGCCAGAGCCACCTGCTGCCATCCAACCACAG[C>A]GTCATCGAGACCTTCATCTCCACCCAGATGGCCTCTTCCTCCCAGTAACCACGGCACCTG-3'
Protein context (NP_000536.6, residues 606-626): GQSHLLPSNH[Ser616Arg]VIETFISTQM

ClinVar aggregate classification (germline): Uncertain significance. Review status: criteria provided, multiple submitters, no conflicts (2 of 4 stars). 2 submissions from 2 submitters: Uncertain significance (2). Last evaluated 2023-01-17.

Allele frequency attached by ClinVar (database versions not stated): ESP Exome Variant Server 0.00008.

Submissions (2):

Blueprint Genetics
Classification: Uncertain significance. Last evaluated: 2023-01-17. Review status: criteria provided, single submitter. Criteria: ACMG Guidelines, 2015. Collection method: clinical testing. Allele origin: germline.

Labcorp Genetics (formerly Invitae), Labcorp
Classification: Uncertain significance. Last evaluated: 2022-09-14. Review status: criteria provided, single submitter. Criteria: Invitae Variant Classification Sherloc (09022015). Collection method: clinical testing. Allele origin: germline.
Comment: In summary, the available evidence is currently insufficient to determine the role of this variant in disease. Therefore, it has been classified as a Variant of Uncertain Significance. Advanced modeling of protein sequence and biophysical properties (such as structural, functional, and spatial information, amino acid conservation, physicochemical variation, residue mobility, and thermodynamic stability) performed at Invitae indicates that this missense variant is not expected to disrupt HNF1A protein function. This variant has not been reported in the literature in individuals affected with HNF1A-related conditions. This variant is not present in population databases (gnomAD no frequency). This sequence change replaces serine, which is neutral and polar, with arginine, which is basic and polar, at codon 616 of the HNF1A protein (p.Ser616Arg).